The following is an entry in ClinVar:

NM_003966.3(SEMA5A):c.379C>T (p.Arg127Trp)

Gene: SEMA5A (semaphorin 5A; minus strand). Cytogenetic location: 5p15.31.
Variant type: single nucleotide variant.
Coding change: c.379C>T on transcript NM_003966.3 (MANE Select); coding-DNA position 379, C replaced by T.
Protein change: p.Arg127Trp; replaces arginine 127 with tryptophan.
Molecular consequence: missense variant.
Genome position (GRCh38, 1-based): chr5:9,226,922, G>A on the plus strand (C>T on the coding strand, the complement: SEMA5A is on the minus strand). VCF-style: chr5-9226922-G-A. GRCh37 (hg19) VCF-style: chr5-9227034-G-A.
Other names: short protein forms R127W.
Identifiers: ClinVar variation 2379824 (VCV002379824.27), dbSNP rs139668453, ClinGen allele CA3197120.

ClinVar aggregate classification (germline): Conflicting classifications of pathogenicity. Review status: criteria provided, conflicting classifications (1 of 4 stars). 2 submissions from 2 submitters: Uncertain significance (1); Likely benign (1). Last evaluated 2025-01-09.

Allele frequency attached by ClinVar (database versions not stated): ExAC 0.00008; TOPMed 0.00008; gnomAD 0.00009; ESP Exome Variant Server 0.00015; gnomAD exomes 0.00016.

Submissions (2):

Ambry Genetics
Classification: Uncertain significance. Last evaluated: 2025-01-09. Review status: criteria provided, single submitter. Criteria: Ambry Variant Classification Scheme 2023. Collection method: clinical testing. Allele origin: germline.

CeGaT Center for Human Genetics Tuebingen
Classification: Likely benign. Last evaluated: 2022-08-01. Review status: criteria provided, single submitter. Criteria: CeGaT Center For Human Genetics Tuebingen Variant Classification Criteria Version 2. Collection method: clinical testing. Allele origin: germline. Affected: yes. Observed: 1 variant allele.
Comment: SEMA5A: BP4, BS2